The following is an entry in ClinVar:

NC_000015.9:g.(?_89790879)_(89825086_?)dup

Gene: FANCI (FA complementation group I; plus strand). Cytogenetic location: 15q26.1.
Variant type: Duplication.
Identifiers: ClinVar variation 2423732 (VCV002423732.3).

ClinVar aggregate classification (germline): Uncertain significance (1 of 4 stars; one submission).

Conditions:
Fanconi anemia (FA). Also called: Fanconi's anemia. Identifiers: Orphanet 84, MedGen C0015625, MeSH D005199, MONDO:0019391.

Submission:

Labcorp Genetics (formerly Invitae), Labcorp
Classification: Uncertain significance for Fanconi anemia. Last evaluated: 2022-08-07. Review status: criteria provided, single submitter. Criteria: Invitae Variant Classification Sherloc (09022015). Collection method: clinical testing. Allele origin: germline.
Comment: This variant results in a copy number gain of the genomic region encompassing exon(s) 2-16 of the FANCI gene. This region includes the initiator codon of the gene. This copy number gain extends beyond the assayed region for this gene and therefore may encompass additional genes. As the precise location of this event is unknown, it may be in tandem or it may be located elsewhere in the genome. This variant has not been reported in the literature in individuals affected with FANCI-related conditions. In summary, the available evidence is currently insufficient to determine the role of this variant in disease. Therefore, it has been classified as a Variant of Uncertain Significance.